The following is an entry in ClinVar:

NM_001126121.2(SLC25A19):c.361C>A (p.His121Asn)

Gene: SLC25A19 (solute carrier family 25 member 19; minus strand). Cytogenetic location: 17q25.1.
Variant type: single nucleotide variant.
Coding change: c.361C>A on transcript NM_001126121.2 (MANE Select); coding-DNA position 361, C replaced by A.
Protein change: p.His121Asn; replaces histidine 121 with asparagine.
Molecular consequence: missense variant.
Genome position (GRCh38, 1-based): chr17:75,283,521, G>T on the plus strand (C>A on the coding strand, the complement: SLC25A19 is on the minus strand). VCF-style: chr17-75283521-G-T. GRCh37 (hg19) VCF-style: chr17-73279602-G-T.
Other names: c.361C>A, p.His121Asn (NM_001126122.2, NM_021734.5); short protein forms H121N.
Identifiers: ClinVar variation 4707621 (VCV004707621.1).
Genomic context (GRCh38, chr17:75,283,521, plus strand): 5'-CATCCACGGGGTGCACAGTGAGGGTGGCCATACAGGCAGCCAGGCCACCACATACAAAGT[G>T]CACTGAGAATTCCCGGGCGTCATACACGCTGCCTCTGTGGACCAGCTCCGTCAGCATTTC-3'
Protein context (NP_001119593.1, residues 111-131): SVYDAREFSV[His121Asn]FVCGGLAACM

ClinVar aggregate classification (germline): Uncertain significance (1 of 4 stars; one submission).

gnomAD v4.1: 2 of 1,613,764 alleles (0.00012%); highest among the groups gnomAD compares: South Asian, 0.0022%; no homozygotes.

Submission:

Labcorp Genetics (formerly Invitae), Labcorp
Classification: Uncertain significance. Last evaluated: 2025-08-07. Review status: criteria provided, single submitter. Criteria: Invitae Variant Classification Sherloc (09022015). Collection method: clinical testing. Allele origin: germline.
Comment: This sequence change replaces histidine, which is basic and polar, with asparagine, which is neutral and polar, at codon 121 of the SLC25A19 protein (p.His121Asn). This variant is present in population databases (rs566153900, gnomAD 0.003%). This variant has not been reported in the literature in individuals affected with SLC25A19-related conditions. Invitae Evidence Modeling of protein sequence and biophysical properties (such as structural, functional, and spatial information, amino acid conservation, physicochemical variation, residue mobility, and thermodynamic stability) indicates that this missense variant is not expected to disrupt SLC25A19 protein function with a negative predictive value of 80%. In summary, the available evidence is currently insufficient to determine the role of this variant in disease. Therefore, it has been classified as a Variant of Uncertain Significance.